The following is an entry in ClinVar:

ClinVar aggregate classification (germline): Uncertain significance. Review status: criteria provided, multiple submitters, no conflicts (2 of 4 stars). 2 submissions from 2 submitters: Uncertain significance (2). Last evaluated 2023-07-07.

Conditions:
Inborn genetic diseases. Identifiers: MedGen C0950123, MeSH D030342.

Allele frequency attached by ClinVar (database versions not stated): gnomAD 0.00001; gnomAD exomes 0.00001; TOPMed 0.00002; ExAC 0.00003.
gnomAD v4.1: 15 of 1,614,236 alleles (0.00093%); highest among the groups gnomAD compares: East Asian, 0.0045%; no homozygotes.

Submissions (2):

Labcorp Genetics (formerly Invitae), Labcorp
Classification: Uncertain significance. Last evaluated: 2023-07-07. Review status: criteria provided, single submitter. Criteria: Invitae Variant Classification Sherloc (09022015). Collection method: clinical testing. Allele origin: germline.
Comment: This sequence change replaces arginine, which is basic and polar, with histidine, which is basic and polar, at codon 1589 of the COL4A2 protein (p.Arg1589His). This variant is present in population databases (rs776257191, gnomAD 0.02%). This variant has not been reported in the literature in individuals affected with COL4A2-related conditions. ClinVar contains an entry for this variant (Variation ID: 2385475). Advanced modeling of protein sequence and biophysical properties (such as structural, functional, and spatial information, amino acid conservation, physicochemical variation, residue mobility, and thermodynamic stability) has been performed at Invitae for this missense variant, however the output from this modeling did not meet the statistical confidence thresholds required to predict the impact of this variant on COL4A2 protein function. In summary, the available evidence is currently insufficient to determine the role of this variant in disease. Therefore, it has been classified as a Variant of Uncertain Significance.

Ambry Genetics
Classification: Uncertain significance for Inborn genetic diseases. Last evaluated: 2022-12-05. Review status: criteria provided, single submitter. Criteria: Ambry Variant Classification Scheme 2023. Collection method: clinical testing. Allele origin: germline.

NM_001846.4(COL4A2):c.4766G>A (p.Arg1589His)

Genes: COL4A2 (collagen type IV alpha 2 chain; plus strand), COL4A2-AS1 (COL4A2 antisense RNA 1; minus strand). Cytogenetic location: 13q34.
Variant type: single nucleotide variant.
Coding change: c.4766G>A on transcript NM_001846.4 (MANE Select); coding-DNA position 4766, G replaced by A.
Protein change: p.Arg1589His; replaces arginine 1589 with histidine.
Molecular consequence: missense variant. On other transcripts: non-coding transcript variant (1).
Genome position (GRCh38, 1-based): chr13:110,508,106, G>A. VCF-style: chr13-110508106-G-A. GRCh37 (hg19) VCF-style: chr13-111160453-G-A.
Other names: short protein forms R1589H.
Identifiers: ClinVar variation 2385475 (VCV002385475.5), dbSNP rs776257191, ClinGen allele CA7050648.